The following is an entry in ClinVar:

NM_003742.4(ABCB11):c.2588C>A (p.Thr863Lys)

Gene: ABCB11 (ATP binding cassette subfamily B member 11; minus strand). Cytogenetic location: 2q31.1.
Variant type: single nucleotide variant.
Coding change: c.2588C>A on transcript NM_003742.4 (MANE Select); coding-DNA position 2588, C replaced by A.
Protein change: p.Thr863Lys; replaces threonine 863 with lysine.
Molecular consequence: missense variant.
Genome position (GRCh38, 1-based): chr2:168,944,627, G>T on the plus strand (C>A on the coding strand, the complement: ABCB11 is on the minus strand). VCF-style: chr2-168944627-G-T. GRCh37 (hg19) VCF-style: chr2-169801137-G-T.
Other names: short protein forms T863K.
Identifiers: ClinVar variation 3348353 (VCV003348353.1).

ClinVar aggregate classification (germline): Uncertain significance (0 of 4 stars; one submission).

Conditions:
ABCB11-related disorder. Also called: ABCB11-related condition.

Submission:

PreventionGenetics, part of Exact Sciences
Classification: Uncertain significance for ABCB11-related condition. Last evaluated: 2024-03-15. Review status: no assertion criteria provided. Collection method: clinical testing. Allele origin: germline.
Comment: The ABCB11 c.2588C>A variant is predicted to result in the amino acid substitution p.Thr863Lys. To our knowledge, this variant has not been reported in the literature or in a large population database, indicating this variant is rare. At this time, the clinical significance of this variant is uncertain due to the absence of conclusive functional and genetic evidence.